The following is an entry in ClinVar:

ClinVar aggregate classification (germline): Likely pathogenic (1 of 4 stars; one submission).

Conditions:
Kniest dysplasia. Identifiers: Orphanet 485, MedGen C0265279, MONDO:0007987, OMIM 156550.

Submission:

MVZ Medizinische Genetik Mainz
Classification: Likely pathogenic for Kniest dysplasia. Last evaluated: 2026-02-25. Review status: criteria provided, single submitter. Criteria: UK Practice Guidelines For Variant Classification V4 01 2020. Collection method: clinical testing. Allele origin: germline. Inheritance: Autosomal dominant inheritance. Affected: yes. Observed: 1 variant allele.
Comment: ACMG Criteria: PP3_STR,PM1,PM5,PM2_SUP,PP2

NM_001844.5(COL2A1):c.1196G>C (p.Gly399Ala)

Gene: COL2A1 (collagen type II alpha 1 chain; minus strand). Cytogenetic location: 12q13.11.
Variant type: single nucleotide variant.
Coding change: c.1196G>C on transcript NM_001844.5 (MANE Select); coding-DNA position 1196, G replaced by C.
Protein change: p.Gly399Ala; replaces glycine 399 with alanine.
Molecular consequence: missense variant.
Genome position (GRCh38, 1-based): chr12:47,987,636, C>G on the plus strand (G>C on the coding strand, the complement: COL2A1 is on the minus strand). VCF-style: chr12-47987636-C-G. GRCh37 (hg19) VCF-style: chr12-48381419-C-G.
Other names: c.989G>C, p.Gly330Ala (NM_033150.3); short protein forms G330A, G399A.
Identifiers: ClinVar variation 4818885 (VCV004818885.1).